The following is an entry in ClinVar:

ClinVar aggregate classification (germline): Uncertain significance (1 of 4 stars; one submission).

Conditions:
BAP1-related tumor predisposition syndrome (TPDS1). Also called: Tumor susceptibility linked to germline BAP1 mutations; BAP1 tumor predisposition syndrome; TUMOR PREDISPOSITION SYNDROME 1; COMMON Syndrome. Identifiers: Orphanet 289539, MedGen C3280492, MONDO:0013692, OMIM 614327.

Submission:

Dasa
Classification: Uncertain significance for BAP1-related tumor predisposition syndrome. Last evaluated: 2026-01-19. Review status: criteria provided, single submitter. Criteria: DASA Assertion Criteria. Collection method: clinical testing. Allele origin: germline.
Comment: NM_004656.4(BAP1):c.222T>G (p.Asp74Glu) is a missense variant that results in the substitution of aspartic acid with glutamic acid. This variant is absent from population databases. The currently available literature and clinical evidence are not sufficient to establish a definitive association between this variant and the reported condition. Therefore, this variant is classified as a variant of uncertain significance.

NM_004656.4(BAP1):c.222T>G (p.Asp74Glu)

Gene: BAP1 (BRCA1 associated deubiquitinase 1; minus strand). Cytogenetic location: 3p21.1.
Variant type: single nucleotide variant.
Coding change: c.222T>G on transcript NM_004656.4 (MANE Select); coding-DNA position 222, T replaced by G.
Protein change: p.Asp74Glu; replaces aspartic acid 74 with glutamic acid.
Molecular consequence: missense variant.
Genome position (GRCh38, 1-based): chr3:52,408,507, A>C on the plus strand (T>G on the coding strand, the complement: BAP1 is on the minus strand). VCF-style: chr3-52408507-A-C. GRCh37 (hg19) VCF-style: chr3-52442523-A-C.
Other names: c.222T>G, p.Asp74Glu (NM_001410772.1); short protein forms D74E.
Identifiers: ClinVar variation 4882142 (VCV004882142.2).